The following is an entry in ClinVar:

ClinVar aggregate classification (germline): Uncertain significance (1 of 4 stars; one submission).

Conditions:
Hereditary cancer-predisposing syndrome. Also called: Neoplastic Syndromes, Hereditary; Tumor predisposition; Hereditary Cancer Syndrome; Hereditary neoplastic syndrome. Identifiers: Orphanet 140162, MedGen C0027672, MeSH D009386, MONDO:0015356.

Submission:

Ambry Genetics
Classification: Uncertain significance for Hereditary cancer-predisposing syndrome. Last evaluated: 2021-10-28. Review status: criteria provided, single submitter. Criteria: Ambry Variant Classification Scheme 2023. Collection method: clinical testing. Allele origin: germline.
Comment: The p.G30S variant (also known as c.88G>A), located in coding exon 1 of the BARD1 gene, results from a G to A substitution at nucleotide position 88. The glycine at codon 30 is replaced by serine, an amino acid with similar properties. This amino acid position is not well conserved in available vertebrate species. In addition, this alteration is predicted to be tolerated by in silico analysis. Since supporting evidence is limited at this time, the clinical significance of this alteration remains unclear.

NM_000465.4(BARD1):c.88G>A (p.Gly30Ser)

Gene: BARD1 (BRCA1 associated RING domain 1; minus strand). Cytogenetic location: 2q35.
Variant type: single nucleotide variant.
Coding change: c.88G>A on transcript NM_000465.4 (MANE Select); coding-DNA position 88, G replaced by A.
Protein change: p.Gly30Ser; replaces glycine 30 with serine.
Molecular consequence: missense variant. On other transcripts: non-coding transcript variant (3).
Genome position (GRCh38, 1-based): chr2:214,809,482, C>T on the plus strand (G>A on the coding strand, the complement: BARD1 is on the minus strand). VCF-style: chr2-214809482-C-T. GRCh37 (hg19) VCF-style: chr2-215674206-C-T.
Other names: c.88G>A, p.Gly30Ser (NM_001282543.2, NM_001282545.2, NM_001282548.2 and 1 more transcripts); short protein forms G30S.
Identifiers: ClinVar variation 1765050 (VCV001765050.2), dbSNP rs1696463008, ClinGen allele CA350465095.
Genomic context (GRCh38, chr2:214,809,482, plus strand): 5'-AGCGCAGCAGCTTCTCCAGGCGGTCGAGCGCGGCGCGACTGTGGGCCCAGGCACCGCGAC[C>T]ATCCGGTTCCATGGCGGGCGCGGAACGAGGCTCGTTCCCGGAGCGGATCCTCGGCTGCCG-3'
Protein context (NP_000456.2, residues 20-40): PRSAPAMEPD[Gly30Ser]RGAWAHSRAA